The following is an entry in ClinVar:

NM_017654.4(SAMD9):c.3748C>T (p.Leu1250Phe)

Gene: SAMD9 (sterile alpha motif domain containing 9; minus strand). Cytogenetic location: 7q21.2.
Variant type: single nucleotide variant.
Coding change: c.3748C>T on transcript NM_017654.4 (MANE Select); coding-DNA position 3748, C replaced by T.
Protein change: p.Leu1250Phe; replaces leucine 1250 with phenylalanine.
Molecular consequence: missense variant.
Genome position (GRCh38, 1-based): chr7:93,102,350, G>A on the plus strand (C>T on the coding strand, the complement: SAMD9 is on the minus strand). VCF-style: chr7-93102350-G-A. GRCh37 (hg19) VCF-style: chr7-92731663-G-A.
Other names: c.3748C>T (NM_017654.3); c.3748C>T, p.Leu1250Phe (NM_001193307.2); short protein forms L1250F.
Identifiers: ClinVar variation 2073283 (VCV002073283.5), dbSNP rs980016258, ClinGen allele CA161990036.

ClinVar aggregate classification (germline): Uncertain significance. Review status: criteria provided, multiple submitters, no conflicts (2 of 4 stars). 2 submissions from 2 submitters: Uncertain significance (2). Last evaluated 2025-06-28.

Conditions:
Inborn genetic diseases. Identifiers: MedGen C0950123, MeSH D030342.

Allele frequency attached by ClinVar (database versions not stated): TOPMed below 0.00001.

Submissions (2):

Ambry Genetics
Classification: Uncertain significance for Inborn genetic diseases. Last evaluated: 2025-06-28. Review status: criteria provided, single submitter. Criteria: Ambry Variant Classification Scheme 2023. Collection method: clinical testing. Allele origin: germline.
Comment: The p.L1250F variant (also known as c.3748C>T), located in coding exon 1 of the SAMD9 gene, results from a C to T substitution at nucleotide position 3748. The leucine at codon 1250 is replaced by phenylalanine, an amino acid with highly similar properties. This amino acid position is conserved. In addition, this alteration is predicted to be tolerated by in silico analysis. Based on the available evidence, the clinical significance of this variant remains unclear.

Labcorp Genetics (formerly Invitae), Labcorp
Classification: Uncertain significance. Last evaluated: 2022-07-06. Review status: criteria provided, single submitter. Criteria: Invitae Variant Classification Sherloc (09022015). Collection method: clinical testing. Allele origin: germline.
Comment: In summary, the available evidence is currently insufficient to determine the role of this variant in disease. Therefore, it has been classified as a Variant of Uncertain Significance. Algorithms developed to predict the effect of missense changes on protein structure and function are either unavailable or do not agree on the potential impact of this missense change (SIFT: "Deleterious"; PolyPhen-2: "Probably Damaging"; Align-GVGD: "Class C0"). This variant has not been reported in the literature in individuals affected with SAMD9-related conditions. This variant is not present in population databases (gnomAD no frequency). This sequence change replaces leucine, which is neutral and non-polar, with phenylalanine, which is neutral and non-polar, at codon 1250 of the SAMD9 protein (p.Leu1250Phe).